The following is an entry in ClinVar:

NM_000264.5(PTCH1):c.1086dup (p.Met363fs)

Gene: PTCH1 (patched 1; minus strand). Cytogenetic location: 9q22.32.
Variant type: Duplication.
Coding change: c.1086dup on transcript NM_000264.5 (MANE Select); coding-DNA position 1086, one base duplicated (C; older notation c.1086dupC).
Protein change: p.Met363fs; shifts the reading frame from methionine 363.
Molecular consequence: frameshift variant. On other transcripts: non-coding transcript variant (1).
Genome position (GRCh38, 1-based): chr9:95,479,129, G duplicated on the plus strand (C on the coding strand, the reverse complement: PTCH1 is on the minus strand); the first of 2 consecutive G bases (chr9:95,479,129-95,479,130); duplicating either gives the same sequence. VCF-style (leftmost placement, unchanged base first): chr9-95479128-T-TG. GRCh37 (hg19) VCF-style: chr9-98241410-T-TG.
Other names: c.888dup, p.Met297fs (NM_001083602.3); c.1083dup, p.Met362fs (NM_001083603.3); c.633dup, p.Met212fs (NM_001083604.3, NM_001083605.3, NM_001083606.3 and 1 more transcripts); c.1086dup, p.Met363fs (NM_001354918.2); short protein forms M212fs, M297fs, M362fs, M363fs.
Identifiers: ClinVar variation 418849 (VCV000418849.2), dbSNP rs1064793474, ClinGen allele CA16618910.

ClinVar aggregate classification (germline): Pathogenic (1 of 4 stars; one submission).

Submission:

GeneDx
Classification: Pathogenic. Last evaluated: 2015-04-09. Review status: criteria provided, single submitter. Criteria: GeneDx Variant Classification (06012015). Collection method: clinical testing. Allele origin: germline. Affected: yes.
Comment: This c.1086dupC duplication is predicted to cause loss of normal protein functioneither through protein truncation or nonsense-mediated mRNA decay. Although this mutation has not been previously reported to our knowledge, we interpret it as pathogenic.